The following is an entry in ClinVar:

ClinVar aggregate classification (germline): Likely benign. Review status: criteria provided, single submitter (1 of 4 stars). 2 submissions from 2 submitters: Likely benign (1). 1 of the submissions does not count toward it. Last evaluated 2026-01-12.

Conditions:
Myasthenic syndrome, congenital, 22 (CMS22). Also called: PREPL DEFICIENCY. Identifiers: MedGen C4479088, MONDO:0044299, OMIM 616224.
PREPL-related disorder. Also called: PREPL-related condition.

Allele frequency attached by ClinVar (database versions not stated): gnomAD exomes 0.00003 and 0.00006; ExAC 0.00004; gnomAD 0.00009 and 0.00010; TOPMed 0.00014; ESP Exome Variant Server 0.00015.
gnomAD v4.1: 55 of 1,613,442 alleles (0.0034%); highest among the groups gnomAD compares: African/African-American, 0.041%; no homozygotes.

Submissions (2):

Labcorp Genetics (formerly Invitae), Labcorp
Classification: Likely benign for Myasthenic syndrome, congenital, 22. Last evaluated: 2026-01-12. Review status: criteria provided, single submitter. Criteria: Invitae Variant Classification Sherloc (09022015). Collection method: clinical testing. Allele origin: germline.

PreventionGenetics, part of Exact Sciences
Classification: Likely benign for PREPL-related condition. Last evaluated: 2023-04-26. Review status: no assertion criteria provided. Collection method: clinical testing. Allele origin: germline. Not counted in ClinVar's aggregate classification.
Comment: This variant is classified as likely benign based on ACMG/AMP sequence variant interpretation guidelines (Richards et al. 2015 PMID: 25741868, with internal and published modifications).

NM_001171613.2(PREPL):c.1467G>A (p.Ala489=)

Gene: PREPL (prolyl endopeptidase like; minus strand). Cytogenetic location: 2p21.
Variant type: single nucleotide variant.
Coding change: c.1467G>A on transcript NM_001171613.2 (MANE Select); coding-DNA position 1467, G replaced by A.
Protein change: p.Ala489=; no amino-acid change (alanine 489 retained).
Molecular consequence: synonymous variant.
Genome position (GRCh38, 1-based): chr2:44,326,724, C>T on the plus strand (G>A on the coding strand, the complement: PREPL is on the minus strand). VCF-style: chr2-44326724-C-T. GRCh37 (hg19) VCF-style: chr2-44553863-C-T.
Other names: c.1548G>A, p.Ala516= (NM_001042385.2); c.1536G>A, p.Ala512= (NM_001042386.2); c.1734G>A, p.Ala578= (NM_001171603.1, NM_001171606.2, NM_001374275.1 and 2 more transcripts); c.1467G>A, p.Ala489= (NM_001171617.1, NM_001374277.1).
Identifiers: ClinVar variation 1092034 (VCV001092034.11), dbSNP rs140525819, ClinGen allele CA1641110.
Genomic context (GRCh38, chr2:44,326,724, plus strand): 5'-CTTCACACCTCCCCCATTCTATAAACAGTAGAGACAGAGCGTACTCACCTCCAAAGTCAC[C>T]GCTCTCACCAGCTCTGGATTAGAATTACACAATGCTCCTGCAAGCACCCCTCCAGCACTG-3'
Protein context (NP_001165084.1, residues 479-499): LCNSNPELVR[Ala489=]VTLEAPFLDV